The following is an entry in ClinVar:

ClinVar aggregate classification (germline): Uncertain significance (1 of 4 stars; one submission).

Conditions:
Severe combined immunodeficiency due to DNA-PKcs deficiency. Also called: IMMUNODEFICIENCY 26 WITH NEUROLOGIC ABNORMALITIES; Immunodeficiency 26 with or without neurologic abnormalities. Identifiers: Orphanet 317425, MedGen C4014833, MONDO:0014423, OMIM 615966.

Allele frequency attached by ClinVar (database versions not stated): gnomAD exomes below 0.00001 and 0.00001; ExAC 0.00004.
gnomAD v4.1: 5 of 1,540,322 alleles (0.00032%); highest among the groups gnomAD compares: Non-Finnish European, 0.00044%; no homozygotes.

Submission:

Labcorp Genetics (formerly Invitae), Labcorp
Classification: Uncertain significance for Severe combined immunodeficiency due to DNA-PKcs deficiency. Last evaluated: 2021-10-30. Review status: criteria provided, single submitter. Criteria: Invitae Variant Classification Sherloc (09022015). Collection method: clinical testing. Allele origin: germline.
Comment: In summary, the available evidence is currently insufficient to determine the role of this variant in disease. Therefore, it has been classified as a Variant of Uncertain Significance. Variants that disrupt the consensus splice site are a relatively common cause of aberrant splicing (PMID: 17576681, 9536098). Experimental studies and prediction algorithms are not available or were not evaluated, and the effect of this variant on mRNA splicing is currently unknown. This variant has not been reported in the literature in individuals affected with PRKDC-related conditions. This variant is present in population databases (rs746662278, gnomAD 0.002%). This sequence change falls in intron 44 of the PRKDC gene. It does not directly change the encoded amino acid sequence of the PRKDC protein. It affects a nucleotide within the consensus splice site.

Literature cited by the submitters: PubMed 17576681; PubMed 9536098.

NM_006904.7(PRKDC):c.5985+6T>G

Gene: PRKDC (protein kinase, DNA-activated, catalytic subunit; minus strand). Cytogenetic location: 8q11.21.
Variant type: single nucleotide variant.
Coding change: c.5985+6T>G on transcript NM_006904.7 (MANE Select); 6 bases into the intron after coding-DNA position 5985, T replaced by G.
Molecular consequence: intron variant.
Genome position (GRCh38, 1-based): chr8:47,862,056, A>C on the plus strand (T>G on the coding strand, the complement: PRKDC is on the minus strand). VCF-style: chr8-47862056-A-C. GRCh37 (hg19) VCF-style: chr8-48774617-A-C.
Other names: c.5985+6T>G (NM_001081640.2).
Identifiers: ClinVar variation 1485616 (VCV001485616.6), dbSNP rs746662278, ClinGen allele CA4740525.